The following is an entry in ClinVar:

ClinVar aggregate classification (germline): Uncertain significance (1 of 4 stars; one submission).

gnomAD v4.1: 21 of 1,612,970 alleles (0.0013%); highest among the groups gnomAD compares: Non-Finnish European, 0.0016%; no homozygotes.

Submission:

Ambry Genetics
Classification: Uncertain significance. Last evaluated: 2025-04-01. Review status: criteria provided, single submitter. Criteria: Ambry Variant Classification Scheme 2023. Collection method: clinical testing. Allele origin: germline.
Comment: The c.1900C>G (p.P634A) alteration is located in exon (coding exon ) of the SH3RF3 gene. This alteration results from a C to G substitution at nucleotide position 1900, causing the proline (P) at amino acid position 634 to be replaced by an alanine (A). Based on insufficient or conflicting evidence, the clinical significance of this alteration remains unclear.

NM_001099289.3(SH3RF3):c.1900C>G (p.Pro634Ala)

Genes: RANBP2 (RAN binding protein 2; plus strand), SH3RF3 (SH3 domain containing ring finger 3; plus strand). Cytogenetic location: 2q13.
Variant type: single nucleotide variant.
Coding change: c.1900C>G on transcript NM_001099289.3 (MANE Select); coding-DNA position 1900, C replaced by G.
Protein change: p.Pro634Ala; replaces proline 634 with alanine.
Molecular consequence: missense variant.
Genome position (GRCh38, 1-based): chr2:109,449,241, C>G. VCF-style: chr2-109449241-C-G. GRCh37 (hg19) VCF-style: chr2-110065697-C-G.
Other names: short protein forms P634A.
Identifiers: ClinVar variation 3953835 (VCV003953835.1).